The following is an entry in ClinVar:

NM_022124.6(CDH23):c.2745C>G (p.Ile915Met)

Gene: CDH23 (cadherin related 23; plus strand). Cytogenetic location: 10q22.1.
Variant type: single nucleotide variant.
Coding change: c.2745C>G on transcript NM_022124.6 (MANE Select); coding-DNA position 2745, C replaced by G.
Protein change: p.Ile915Met; replaces isoleucine 915 with methionine.
Molecular consequence: missense variant.
Genome position (GRCh38, 1-based): chr10:71,704,922, C>G. VCF-style: chr10-71704922-C-G. GRCh37 (hg19) VCF-style: chr10-73464679-C-G.
Other names: c.2745C>G, p.Ile915Met (NM_001171930.2, NM_001171931.2); short protein forms I915M.
Identifiers: ClinVar variation 953296 (VCV000953296.9), dbSNP rs183220886, ClinGen allele CA209454823.

ClinVar aggregate classification (germline): Uncertain significance. Review status: criteria provided, multiple submitters, no conflicts (2 of 4 stars). 5 submissions from 5 submitters: Uncertain significance (4). 1 of the submissions does not count toward it. Last evaluated 2024-03-04.

Conditions:
Usher syndrome type 1 (USH1). Also called: RETINITIS PIGMENTOSA AND CONGENITAL DEAFNESS. Identifiers: Orphanet 231169, Orphanet 886, MedGen C1568247, MONDO:0010168, OMIM 276900.
Pituitary adenoma 5, multiple types. Identifiers: MedGen C4539685, MONDO:0054601, OMIM 617540.
Usher syndrome type 1D (USH1D). Also called: USHER SYNDROME, TYPE ID. Identifiers: Orphanet 231169, Orphanet 886, MedGen C1832845, MONDO:0010984, OMIM 601067.
Autosomal recessive nonsyndromic hearing loss 12. Also called: DEAFNESS, AUTOSOMAL RECESSIVE 12. Identifiers: Orphanet 90636, MedGen C1832394, MONDO:0011067, OMIM 601386.
Inborn genetic diseases. Identifiers: MedGen C0950123, MeSH D030342.

Allele frequency attached by ClinVar (database versions not stated): TOPMed 0.00001.
gnomAD v4.1: 4 of 1,612,250 alleles (0.00025%); highest among the groups gnomAD compares: Admixed American, 0.0033%; no homozygotes.

Submissions (5):

GeneDx
Classification: Uncertain significance. Last evaluated: 2024-03-04. Review status: criteria provided, single submitter. Criteria: GeneDx Variant Classification Process June 2021. Collection method: clinical testing. Allele origin: germline. Affected: yes.
Comment: Not observed at significant frequency in large population cohorts (gnomAD); In silico analysis supports that this missense variant has a deleterious effect on protein structure/function; Has not been previously published as pathogenic or benign to our knowledge

Ambry Genetics
Classification: Uncertain significance for Inborn genetic diseases. Last evaluated: 2024-01-22. Review status: criteria provided, single submitter. Criteria: Ambry Variant Classification Scheme 2023. Collection method: clinical testing. Allele origin: germline.

Labcorp Genetics (formerly Invitae), Labcorp
Classification: Uncertain significance. Last evaluated: 2022-08-17. Review status: criteria provided, single submitter. Criteria: Invitae Variant Classification Sherloc (09022015). Collection method: clinical testing. Allele origin: germline.
Comment: This sequence change replaces isoleucine, which is neutral and non-polar, with methionine, which is neutral and non-polar, at codon 915 of the CDH23 protein (p.Ile915Met). This variant is not present in population databases (gnomAD no frequency). This variant has not been reported in the literature in individuals affected with CDH23-related conditions. ClinVar contains an entry for this variant (Variation ID: 953296). Algorithms developed to predict the effect of missense changes on protein structure and function are either unavailable or do not agree on the potential impact of this missense change (SIFT: "Deleterious"; PolyPhen-2: "Not Available"; Align-GVGD: "Class C0"). In summary, the available evidence is currently insufficient to determine the role of this variant in disease. Therefore, it has been classified as a Variant of Uncertain Significance.

Fulgent Genetics
Classification: Uncertain significance for Usher syndrome type 1D; Autosomal recessive nonsyndromic hearing loss 12; Pituitary adenoma 5, multiple types. Last evaluated: 2021-07-11. Review status: criteria provided, single submitter. Criteria: ACMG Guidelines, 2015. Collection method: clinical testing. Allele origin: unknown.

Natera, Inc.
Classification: Uncertain significance for Usher syndrome type 1. Last evaluated: 2021-08-03. Review status: no assertion criteria provided. Collection method: clinical testing. Allele origin: germline. Not counted in ClinVar's aggregate classification.